The following is an entry in ClinVar:

ClinVar aggregate classification (germline): Uncertain significance (1 of 4 stars; one submission).

Submission:

GeneDx
Classification: Uncertain significance. Last evaluated: 2019-12-30. Review status: criteria provided, single submitter. Criteria: GeneDx Variant Classification Process June 2021. Collection method: clinical testing. Allele origin: germline. Affected: yes.
Comment: Not observed in large population cohorts (Lek et al., 2016); In silico analysis, which includes protein predictors and evolutionary conservation, supports a deleterious effect; Has not been previously published as pathogenic or benign to our knowledge

NM_031407.7(HUWE1):c.12235G>T (p.Ala4079Ser)

Gene: HUWE1 (HECT, UBA and WWE domain containing E3 ubiquitin protein ligase 1; minus strand). Cytogenetic location: Xp11.22.
Variant type: single nucleotide variant.
Coding change: c.12235G>T on transcript NM_031407.7 (MANE Select); coding-DNA position 12235, G replaced by T.
Protein change: p.Ala4079Ser; replaces alanine 4079 with serine.
Molecular consequence: missense variant.
Genome position (GRCh38, 1-based): chrX:53,536,570, C>A on the plus strand (G>T on the coding strand, the complement: HUWE1 is on the minus strand). VCF-style: chrX-53536570-C-A. GRCh37 (hg19) VCF-style: chrX-53563531-C-A.
Other names: short protein forms A4079S.
Identifiers: ClinVar variation 1311104 (VCV001311104.2), dbSNP rs2146880540, ClinGen allele CA413151136.
Genomic context (GRCh38, chrX:53,536,570, plus strand): 5'-AGTGGGAAGATGGATTGATGGTGTAGGTGACTCGATCACCAGGTGAGGTACGGAACAAGG[C>A]ATACATAGGGTTAAACATCTCTCGAGAGATGATCATATACCACTCCCGCAGGAGCCCACC-3'
Protein context (NP_113584.3, residues 4069-4089): ISREMFNPMY[Ala4079Ser]LFRTSPGDRV